The following is an entry in ClinVar:

NM_198586.3(NHLRC1):c.301C>T (p.Pro101Ser)

Gene: NHLRC1 (NHL repeat containing E3 ubiquitin protein ligase 1; minus strand). Cytogenetic location: 6p22.3.
Variant type: single nucleotide variant.
Coding change: c.301C>T on transcript NM_198586.3 (MANE Select); coding-DNA position 301, C replaced by T.
Protein change: p.Pro101Ser; replaces proline 101 with serine.
Molecular consequence: missense variant.
Genome position (GRCh38, 1-based): chr6:18,122,306, G>A on the plus strand (C>T on the coding strand, the complement: NHLRC1 is on the minus strand). VCF-style: chr6-18122306-G-A. GRCh37 (hg19) VCF-style: chr6-18122537-G-A.
Other names: short protein forms P101S.
Identifiers: ClinVar variation 1020055 (VCV001020055.9), dbSNP rs1484414595, ClinGen allele CA362828925.

ClinVar aggregate classification (germline): Uncertain significance (1 of 4 stars; one submission).

Conditions:
Lafora disease. Also called: Progressive Myoclonus Epilepsy, Lafora Type; Epilepsy progressive myoclonic 2. Identifiers: Orphanet 501, MedGen C0751783, MONDO:0009697.

Allele frequency attached by ClinVar (database versions not stated): TOPMed 0.00001.

Submission:

Labcorp Genetics (formerly Invitae), Labcorp
Classification: Uncertain significance for Lafora disease. Last evaluated: 2020-10-06. Review status: criteria provided, single submitter. Criteria: Invitae Variant Classification Sherloc (09022015). Collection method: clinical testing. Allele origin: germline.
Comment: This sequence change replaces proline with serine at codon 101 of the NHLRC1 protein (p.Pro101Ser). The proline residue is highly conserved and there is a moderate physicochemical difference between proline and serine. In summary, the available evidence is currently insufficient to determine the role of this variant in disease. Therefore, it has been classified as a Variant of Uncertain Significance. Algorithms developed to predict the effect of missense changes on protein structure and function output the following: SIFT: "Deleterious"; PolyPhen-2: "Benign"; Align-GVGD: "Class C0". The serine amino acid residue is found in multiple mammalian species, suggesting that this missense change does not adversely affect protein function. These predictions have not been confirmed by published functional studies and their clinical significance is uncertain. This variant has not been reported in the literature in individuals with NHLRC1-related conditions. This variant is not present in population databases (ExAC no frequency).